The following is an entry in ClinVar:

NM_000466.3(PEX1):c.3398C>T (p.Ser1133Phe)

Genes: GATAD1 (GATA zinc finger domain containing 1; plus strand), PEX1 (peroxisomal biogenesis factor 1; minus strand). Cytogenetic location: 7q21.2.
Variant type: single nucleotide variant.
Coding change: c.3398C>T on transcript NM_000466.3 (MANE Select); coding-DNA position 3398, C replaced by T.
Protein change: p.Ser1133Phe; replaces serine 1133 with phenylalanine.
Molecular consequence: missense variant.
Genome position (GRCh38, 1-based): chr7:92,491,312, G>A on the plus strand (C>T on the coding strand, the complement: PEX1 is on the minus strand). VCF-style: chr7-92491312-G-A. GRCh37 (hg19) VCF-style: chr7-92120626-G-A.
Other names: c.3227C>T, p.Ser1076Phe (NM_001282677.2); c.2774C>T, p.Ser925Phe (NM_001282678.2); short protein forms S1133F, S925F, S1076F.
Identifiers: ClinVar variation 502339 (VCV000502339.11), dbSNP rs185115432, ClinGen allele CA4340840.

ClinVar aggregate classification (germline): Uncertain significance. Review status: criteria provided, multiple submitters, no conflicts (2 of 4 stars). 3 submissions from 3 submitters: Uncertain significance (2). 1 of the submissions does not count toward it. Last evaluated 2025-01-06.

Conditions:
Zellweger spectrum disorders (ZS). Also called: Zellweger Spectrum Disorder (ZSD); Zellweger Spectrum Disorder; Zellweger Spectrum; Zellweger syndrome. Identifiers: Orphanet 912, MedGen C0043459, MONDO:0019609.

Allele frequency attached by ClinVar (database versions not stated): ExAC 0.00001; gnomAD exomes 0.00002 and 0.00003; gnomAD 0.00007 and 0.00008; TOPMed 0.00007; 1000 Genomes Project 0.00020; 1000 Genomes Project 30x 0.00047.
gnomAD v4.1: 23 of 1,613,732 alleles (0.0014%); highest among the groups gnomAD compares: Admixed American, 0.038%; no homozygotes.

Submissions (3):

Labcorp Genetics (formerly Invitae), Labcorp
Classification: Uncertain significance for Zellweger spectrum disorders. Last evaluated: 2025-01-06. Review status: criteria provided, single submitter. Criteria: Invitae Variant Classification Sherloc (09022015). Collection method: clinical testing. Allele origin: germline.
Comment: This sequence change replaces serine, which is neutral and polar, with phenylalanine, which is neutral and non-polar, at codon 1133 of the PEX1 protein (p.Ser1133Phe). This variant is present in population databases (rs185115432, gnomAD 0.02%). This variant has not been reported in the literature in individuals affected with PEX1-related conditions. ClinVar contains an entry for this variant (Variation ID: 502339). Invitae Evidence Modeling of protein sequence and biophysical properties (such as structural, functional, and spatial information, amino acid conservation, physicochemical variation, residue mobility, and thermodynamic stability) indicates that this missense variant is expected to disrupt PEX1 protein function with a positive predictive value of 95%. In summary, the available evidence is currently insufficient to determine the role of this variant in disease. Therefore, it has been classified as a Variant of Uncertain Significance.

Eurofins Ntd Llc (ga)
Classification: Uncertain significance. Last evaluated: 2017-05-31. Review status: criteria provided, single submitter. Criteria: EGL Classification Definitions 2015. Collection method: clinical testing. Allele origin: germline. Observed: 1 variant allele, 1 heterozygote.

Natera, Inc.
Classification: Uncertain significance for Zellweger syndrome. Last evaluated: 2018-08-31. Review status: no assertion criteria provided. Collection method: clinical testing. Allele origin: germline. Not counted in ClinVar's aggregate classification.